The following is an entry in ClinVar:

ClinVar aggregate classification (germline): Benign. Review status: criteria provided, multiple submitters, no conflicts (2 of 4 stars). 2 submissions from 2 submitters: Benign (2). Last evaluated 2018-01-13.

Conditions:
Retinitis pigmentosa (RP). Identifiers: Orphanet 791, MedGen C0035334, MeSH D012174, MONDO:0019200, OMIM 268000. Inheritance: Autosomal dominant, autosomal recessive and X linked inheritance.

Allele frequency attached by ClinVar (database versions not stated): gnomAD 0.01173 and 0.01256; TOPMed 0.01277; 1000 Genomes Project 0.01398; 1000 Genomes Project 30x 0.01530.
gnomAD v4.1: 3,428 of 1,459,764 alleles (0.23%); highest among the groups gnomAD compares: African/African-American, 4%; 58 homozygotes.

Submissions (2):

Illumina Laboratory Services, Illumina
Classification: Benign for Retinitis pigmentosa. Last evaluated: 2018-01-13. Review status: criteria provided, single submitter. Criteria: ICSL Variant Classification Criteria 13 December 2019. Collection method: clinical testing. Allele origin: germline.
Comment: This variant was observed in the ICSL laboratory as part of a predisposition screen in an ostensibly healthy population. It had not been previously curated by ICSL or reported in the Human Gene Mutation Database (HGMD: prior to June 1st, 2018), and was therefore a candidate for classification through an automated scoring system. Utilizing variant allele frequency, disease prevalence and penetrance estimates, and inheritance mode, an automated score was calculated to assess if this variant is too frequent to cause the disease. Based on the score and internal cut-off values, a variant classified as benign is not then subjected to further curation. The score for this variant resulted in a classification of benign for this disease.

Breakthrough Genomics
Classification: Benign. Review status: criteria provided, single submitter. Criteria: ACMG Guidelines, 2015. Collection method: not provided. Allele origin: germline. Inheritance: Autosomal dominant inheritance. Affected: yes.

NM_012469.4(PRPF6):c.-79C>T

Gene: PRPF6 (pre-mRNA processing factor 6; plus strand). Cytogenetic location: 20q13.33.
Variant type: single nucleotide variant.
Coding change: c.-79C>T on transcript NM_012469.4 (MANE Select); 79 bases upstream of the start codon, C replaced by T.
Molecular consequence: 5 prime UTR variant.
Genome position (GRCh38, 1-based): chr20:63,981,167, C>T. VCF-style: chr20-63981167-C-T. GRCh37 (hg19) VCF-style: chr20-62612520-C-T.
Identifiers: ClinVar variation 339456 (VCV000339456.6), dbSNP rs114227570, ClinGen allele CA10653429.
Genomic context (GRCh38, chr20:63,981,167, plus strand): 5'-GCTTCCGGGGCGCGGGTGACGCGACGACGGCGACACTTTGCTACGGAGTGCATCGGACGT[C>T]GAAGCCTAGAGTCTCTGCGTCTTTCCCTCTTCCGCTGCCTCATTCCTTTCCTTCCTAGCC-3'